The following is an entry in ClinVar:

NM_001365088.1(SLC12A6):c.2265G>A (p.Trp755Ter)

Gene: SLC12A6 (solute carrier family 12 member 6; minus strand). Cytogenetic location: 15q14.
Variant type: single nucleotide variant.
Coding change: c.2265G>A on transcript NM_001365088.1 (MANE Select); coding-DNA position 2265, G replaced by A.
Protein change: p.Trp755Ter; replaces tryptophan 755 with a stop codon.
Molecular consequence: nonsense.
Genome position (GRCh38, 1-based): chr15:34,241,235, C>T on the plus strand (G>A on the coding strand, the complement: SLC12A6 is on the minus strand). VCF-style: chr15-34241235-C-T. GRCh37 (hg19) VCF-style: chr15-34533436-C-T.
Other names: c.2088G>A, p.Trp696Ter (NM_001042494.2, NM_001042495.2); c.2238G>A, p.Trp746Ter (NM_001042496.2); c.2220G>A, p.Trp740Ter (NM_001042497.2); c.2112G>A, p.Trp704Ter (NM_005135.2); c.2265G>A, p.Trp755Ter (NM_133647.2); short protein forms W696*, W704*, W740*, W746*, W755*.
Identifiers: ClinVar variation 2678744 (VCV002678744.2), dbSNP rs2509764036, ClinGen allele CA391619925.
Genomic context (GRCh38, chr15:34,241,235, plus strand): 5'-AACACATATTTTTGTGTGTTAACCATGTGCCAAATACTGCTAGTGTTGATTTCTTTACCT[C>T]CAGTTTTTAGTGTGTGGAGGTCCTTCCTCCAATCGAAGCAAAGCAAACCGGGCTGCACTG-3'

ClinVar aggregate classification (germline): Pathogenic/Likely pathogenic. Review status: criteria provided, multiple submitters, no conflicts (2 of 4 stars). 2 submissions from 2 submitters: Pathogenic (1); Likely pathogenic (1). Last evaluated 2026-01-06.

Conditions:
Agenesis of the corpus callosum with peripheral neuropathy (ACCPN). Also called: Hereditary Motor and Sensory Neuropathy with Agenesis of the Corpus Callosum; HMSN/ACC; CHARLEVOIX DISEASE; POLYNEUROPATHY, SENSORIMOTOR, WITH OR WITHOUT AGENESIS OF THE CORPUS CALLOSUM. Identifiers: Orphanet 1496, MedGen C0795950, MONDO:0000902, OMIM 218000. Disease mechanism: loss of function.

Allele frequency attached by ClinVar (database versions not stated): gnomAD exomes below 0.00001.
gnomAD v4.1: 1 of 1,535,638 alleles (0.000065%); highest among the groups gnomAD compares: Non-Finnish European, 0.00009%; no homozygotes.

Submissions (2):

Women's Health and Genetics/Laboratory Corporation of America, LabCorp
Classification: Pathogenic for Agenesis of the corpus callosum with peripheral neuropathy. Last evaluated: 2026-01-06. Review status: criteria provided, single submitter. Criteria: LabCorp Variant Classification Summary - May 2015. Collection method: clinical testing. Allele origin: germline.
Comment: Variant summary: SLC12A6 c.2265G>A (p.Trp755X) results in a premature termination codon, predicted to cause a truncation of the encoded protein or absence of the protein due to nonsense mediated decay, which are commonly known mechanisms for disease. The variant was absent in 251178 control chromosomes. To our knowledge, no occurrence of c.2265G>A in individuals affected with SLC12A6-related conditions and no experimental evidence demonstrating its impact on protein function have been reported. ClinVar contains an entry for this variant (Variation ID: 2678744). Based on the evidence outlined above, the variant was classified as pathogenic.

Baylor Genetics
Classification: Likely pathogenic for Agenesis of the corpus callosum with peripheral neuropathy. Last evaluated: 2023-07-06. Review status: criteria provided, single submitter. Criteria: ACMG Guidelines, 2015. Collection method: clinical testing. Allele origin: unknown.